The following is an entry in ClinVar:

ClinVar aggregate classification (germline): Uncertain significance (1 of 4 stars; one submission).

Conditions:
DNA ligase IV deficiency. Identifiers: Orphanet 99812, MedGen C1847827, MONDO:0011686, OMIM 606593.

Submission:

Labcorp Genetics (formerly Invitae), Labcorp
Classification: Uncertain significance for DNA ligase IV deficiency. Last evaluated: 2022-07-03. Review status: criteria provided, single submitter. Criteria: Invitae Variant Classification Sherloc (09022015). Collection method: clinical testing. Allele origin: germline.
Comment: In summary, the available evidence is currently insufficient to determine the role of this variant in disease. Therefore, it has been classified as a Variant of Uncertain Significance. Algorithms developed to predict the effect of missense changes on protein structure and function are either unavailable or do not agree on the potential impact of this missense change (SIFT: "Deleterious"; PolyPhen-2: "Benign"; Align-GVGD: "Class C0"). This variant has not been reported in the literature in individuals affected with LIG4-related conditions. This variant is present in population databases (no rsID available, gnomAD 0.0009%). This sequence change replaces lysine, which is basic and polar, with asparagine, which is neutral and polar, at codon 613 of the LIG4 protein (p.Lys613Asn).

NM_206937.2(LIG4):c.1839A>C (p.Lys613Asn)

Gene: LIG4 (DNA ligase 4; minus strand). Cytogenetic location: 13q33.3.
Variant type: single nucleotide variant.
Coding change: c.1839A>C on transcript NM_206937.2 (MANE Select); coding-DNA position 1839, A replaced by C.
Protein change: p.Lys613Asn; replaces lysine 613 with asparagine.
Molecular consequence: missense variant.
Genome position (GRCh38, 1-based): chr13:108,209,430, T>G on the plus strand (A>C on the coding strand, the complement: LIG4 is on the minus strand). VCF-style: chr13-108209430-T-G. GRCh37 (hg19) VCF-style: chr13-108861778-T-G.
Other names: c.1839A>C, p.Lys613Asn (NM_001098268.2, NM_001352598.2, NM_001352599.2 and 6 more transcripts); c.1638A>C, p.Lys546Asn (NM_001330595.2); c.1875A>C, p.Lys625Asn (NM_001352604.2); short protein forms K625N, K546N, K613N.
Identifiers: ClinVar variation 2112670 (VCV002112670.4), dbSNP rs372883256, ClinGen allele CA388615766.